The following is an entry in ClinVar:

NM_001277115.2(DNAH11):c.10165+1_10165+3dup

Gene: DNAH11 (dynein axonemal heavy chain 11; plus strand). Cytogenetic location: 7p15.3.
Variant type: Duplication.
Coding change: c.10165+1_10165+3dup on transcript NM_001277115.2 (MANE Select); the canonical splice donor site of the intron after coding-DNA position 10165 through 3 bases into the intron after coding-DNA position 10165, 3 bases duplicated (GTT; older notation c.10165+1_10165+3dupGTT).
Molecular consequence: splice donor variant.
Genome position (GRCh38, 1-based): chr7:21,801,276-21,801,278, GTT duplicated. VCF-style (leftmost placement, unchanged base first): chr7-21801275-A-AGTT. GRCh37 (hg19) VCF-style: chr7-21840893-A-AGTT.
Identifiers: ClinVar variation 3005819 (VCV003005819.5), dbSNP rs1562554533, ClinGen allele CA572917374.
Genomic context (GRCh38, chr7:21,801,275, plus strand): 5'-GTGAACCAAACCAACAAAACCATCAAATTAGCTAACAGACTTGTCAAGGAACTTGAGGCA[A>AGTT]GTTAAACCTTTTCTTCCAAACATTCTAACTAAAATGTTCAGATCAGCTTGTGGGGATTTT-3'

ClinVar aggregate classification (germline): Uncertain significance. Review status: criteria provided, multiple submitters, no conflicts (2 of 4 stars). 3 submissions from 3 submitters: Uncertain significance (3). Last evaluated 2023-11-07.

Conditions:
Primary ciliary dyskinesia. Also called: Ciliary dyskinesia. Identifiers: Orphanet 244, MedGen C0008780, MONDO:0016575, HP:0012265.

Allele frequency attached by ClinVar (database versions not stated): gnomAD 0.00001; gnomAD exomes 0.00001.

Submissions (3):

GeneDx
Classification: Uncertain significance. Last evaluated: 2023-11-07. Review status: criteria provided, single submitter. Criteria: GeneDx Variant Classification Process June 2021. Collection method: clinical testing. Allele origin: germline. Affected: yes.
Comment: Not observed at significant frequency in large population cohorts (gnomAD); Has not been previously published as pathogenic or benign to our knowledge; In silico analysis is inconclusive as to whether the variant alters gene splicing. In the absence of RNA/functional studies, the actual effect of this sequence change is unknown.

Labcorp Genetics (formerly Invitae), Labcorp
Classification: Uncertain significance for Primary ciliary dyskinesia. Last evaluated: 2023-08-02. Review status: criteria provided, single submitter. Criteria: Invitae Variant Classification Sherloc (09022015). Collection method: clinical testing. Allele origin: germline.
Comment: This variant is present in population databases (no rsID available, gnomAD 0.0009%). In summary, the available evidence is currently insufficient to determine the role of this variant in disease. Therefore, it has been classified as a Variant of Uncertain Significance. Variants that disrupt the consensus splice site are a relatively common cause of aberrant splicing (PMID: 17576681, 9536098). Algorithms developed to predict the effect of sequence changes on RNA splicing suggest that this variant is not likely to affect RNA splicing. This variant has not been reported in the literature in individuals affected with DNAH11-related conditions. This sequence change falls in intron 62 of the DNAH11 gene. It does not directly change the encoded amino acid sequence of the DNAH11 protein. It affects a nucleotide within the consensus splice site.

Blueprint Genetics
Classification: Uncertain significance. Last evaluated: 2021-06-04. Review status: criteria provided, single submitter. Criteria: ACMG Guidelines, 2015. Collection method: clinical testing. Allele origin: germline.

Literature cited by the submitters: PubMed 17576681 (cited by Labcorp Genetics (formerly Invitae), Labcorp); PubMed 9536098 (cited by Labcorp Genetics (formerly Invitae), Labcorp).